The following is an entry in ClinVar:

NM_002474.3(MYH11):c.2237C>T (p.Ala746Val)

Gene: MYH11 (myosin heavy chain 11; minus strand). Cytogenetic location: 16p13.11.
Variant type: single nucleotide variant.
Coding change: c.2237C>T on transcript NM_002474.3 (MANE Select); coding-DNA position 2237, C replaced by T.
Protein change: p.Ala746Val; replaces alanine 746 with valine.
Molecular consequence: missense variant.
Genome position (GRCh38, 1-based): chr16:15,747,887, G>A on the plus strand (C>T on the coding strand, the complement: MYH11 is on the minus strand). VCF-style: chr16-15747887-G-A. GRCh37 (hg19) VCF-style: chr16-15841744-G-A.
Other names: c.2258C>T, p.Ala753Val (NM_001040113.2, NM_001040114.2); c.2237C>T, p.Ala746Val (NM_022844.3); short protein forms A753V, A746V.
Identifiers: ClinVar variation 5025083 (VCV005025083.1).

ClinVar aggregate classification (germline): Uncertain significance (1 of 4 stars; one submission).

Conditions:
Familial thoracic aortic aneurysm and aortic dissection (TAAD). Also called: Thoracic aortic aneurysms and dissections. Identifiers: Orphanet 91387, MedGen C4707243, MONDO:0019625.

Submission:

Ambry Genetics
Classification: Uncertain significance for Familial thoracic aortic aneurysm and aortic dissection. Last evaluated: 2026-07-07. Review status: criteria provided, single submitter. Criteria: Ambry Variant Classification Scheme 2023. Collection method: clinical testing. Allele origin: germline.
Comment: The p.A746V variant (also known as c.2237C>T), located in coding exon 17 of the MYH11 gene, results from a C to T substitution at nucleotide position 2237. The alanine at codon 746 is replaced by valine, an amino acid with similar properties. This amino acid position is conserved. In addition, the in silico prediction for this alteration is inconclusive. Based on the available evidence, the clinical significance of this variant remains unclear.